The following is an entry in ClinVar:

ClinVar aggregate classification (germline): Likely pathogenic (1 of 4 stars; one submission).

Conditions:
Hermansky-Pudlak syndrome 3 (HPS3). Identifiers: Orphanet 231512, Orphanet 79430, MedGen C3888001, MONDO:0013555, OMIM 614072.

gnomAD v4.1: 19 of 1,613,190 alleles (0.0012%); highest among the groups gnomAD compares: Non-Finnish European, 0.0016%; no homozygotes.

Submission:

Victorian Clinical Genetics Services, Murdoch Childrens Research Institute
Classification: Likely pathogenic for Hermansky-Pudlak syndrome 3. Last evaluated: 2024-10-09. Review status: criteria provided, single submitter. Criteria: ACMG Guidelines, 2015. Collection method: clinical testing. Allele origin: germline. Affected: yes.
Comment: This variant is classified as Likely pathogenic. Evidence in support of pathogenic classification: Variant is absent from gnomAD (both v2 and v3); Missense variant consistently predicted to be damaging by multiple in silico tools or highly conserved with a major amino acid change; Strong phenotype match for this individual; Heterozygous variant detected in trans with a PATHOGENIC heterozygous variant (NM_032383.4(HPS3):c.2424G>A; p.(Trp808*)) in a recessive disease. Additional information: Variant is predicted to result in a missense amino acid change from tyrosine to serine; This variant is heterozygous; This gene is associated with autosomal recessive disease; An alternative amino acid change at the same position has been observed in gnomAD (v2) (1 heterozygote, 0 homozygotes); This variant has no previous evidence of pathogenicity; No published segregation evidence has been identified for this variant; No published functional evidence has been identified for this variant; No comparable missense variants have previous evidence for pathogenicity; Variant is located in the annotated HPS3 N-Terminal (DECIPHER); Loss of function is a known mechanism of disease in this gene and is associated with Hermansky-Pudlak syndrome-3 (MIM#614072).

NM_032383.5(HPS3):c.272A>C (p.Tyr91Ser)

Gene: HPS3 (HPS3 biogenesis of lysosomal organelles complex 2 subunit 1; plus strand). Cytogenetic location: 3q24.
Variant type: single nucleotide variant.
Coding change: c.272A>C on transcript NM_032383.5 (MANE Select); coding-DNA position 272, A replaced by C.
Protein change: p.Tyr91Ser; replaces tyrosine 91 with serine.
Molecular consequence: missense variant. On other transcripts: intron variant (1).
Genome position (GRCh38, 1-based): chr3:149,140,058, A>C. VCF-style: chr3-149140058-A-C. GRCh37 (hg19) VCF-style: chr3-148857845-A-C.
Other names: c.218-959A>C (NM_001308258.2); short protein forms Y91S.
Identifiers: ClinVar variation 3377068 (VCV003377068.3).